The following is an entry in ClinVar:

NM_002691.4(POLD1):c.768G>A (p.Val256=)

Gene: POLD1 (DNA polymerase delta 1, catalytic subunit; plus strand). Cytogenetic location: 19q13.33.
Variant type: single nucleotide variant.
Coding change: c.768G>A on transcript NM_002691.4 (MANE Select); coding-DNA position 768, G replaced by A.
Protein change: p.Val256=; no amino-acid change (valine 256 retained).
Molecular consequence: synonymous variant. On other transcripts: non-coding transcript variant (1).
Genome position (GRCh38, 1-based): chr19:50,402,463, G>A. VCF-style: chr19-50402463-G-A. GRCh37 (hg19) VCF-style: chr19-50905720-G-A.
Other names: c.768G>A, p.Val256= (NM_001256849.1, NM_001308632.1); c.768G>A (NM_002691.2).
Identifiers: ClinVar variation 859655 (VCV000859655.11), dbSNP rs2038687584, ClinGen allele CA508304480.

ClinVar aggregate classification (germline): Conflicting classifications of pathogenicity. Review status: criteria provided, conflicting classifications (1 of 4 stars). 2 submissions from 2 submitters: Uncertain significance (1); Likely benign (1). Last evaluated 2025-07-02.

Conditions:
POLD1-related polyposis and colorectal cancer syndrome (CRCS10). Also called: Colorectal cancer 10; COLORECTAL CANCER, SUSCEPTIBILITY TO, ON CHROMOSOME 19q; Colorectal cancer, susceptibility to, 10. Identifiers: Orphanet 220460, MedGen C2675481, MONDO:0012953, OMIM 612591.
Hereditary cancer-predisposing syndrome. Also called: Tumor predisposition; Hereditary Cancer Syndrome; Hereditary neoplastic syndrome; Neoplastic Syndromes, Hereditary. Identifiers: Orphanet 140162, MedGen C0027672, MeSH D009386, MONDO:0015356.

Submissions (2):

Ambry Genetics
Classification: Uncertain significance for Hereditary cancer-predisposing syndrome. Last evaluated: 2025-07-02. Review status: criteria provided, single submitter. Criteria: Ambry Variant Classification Scheme 2023. Collection method: clinical testing. Allele origin: germline.
Comment: The c.768G>A variant (also known as p.V256V), located in coding exon 6 of the POLD1 gene, results from a G to A substitution at nucleotide position 768. This nucleotide substitution does not change the valine at codon 256. This nucleotide position is highly conserved in available vertebrate species. In silico splice site analysis predicts that this alteration may result in the creation or strengthening of a novel splice acceptor site. Based on the available evidence, the clinical significance of this variant remains unclear.

Labcorp Genetics (formerly Invitae), Labcorp
Classification: Likely benign for POLD1-related polyposis and colorectal cancer syndrome. Last evaluated: 2024-09-16. Review status: criteria provided, single submitter. Criteria: Invitae Variant Classification Sherloc (09022015). Collection method: clinical testing. Allele origin: germline.